The following is an entry in ClinVar:

ClinVar aggregate classification (germline): Pathogenic (1 of 4 stars; one submission).

Submission:

GeneDx
Classification: Pathogenic. Last evaluated: 2016-06-06. Review status: criteria provided, single submitter. Criteria: GeneDx Variant Classification (06012015). Collection method: clinical testing. Allele origin: germline. Affected: yes.
Comment: The W145X nonsense variant in the CHD7 gene has been reported previously in association with a CHARGE syndrome (Lalani et al., 2006). This pathogenic variant is predicted to cause loss of normal protein function either through protein truncation or nonsense-mediated mRNA decay. Given the available evidence, we interpret W145X as a pathogenic variant.

NM_017780.4(CHD7):c.434G>A (p.Trp145Ter)

Gene: CHD7 (chromodomain helicase DNA binding protein 7; plus strand). Cytogenetic location: 8q12.2.
Variant type: single nucleotide variant.
Coding change: c.434G>A on transcript NM_017780.4 (MANE Select); coding-DNA position 434, G replaced by A.
Protein change: p.Trp145Ter; replaces tryptophan 145 with a stop codon.
Molecular consequence: nonsense.
Genome position (GRCh38, 1-based): chr8:60,741,866, G>A. VCF-style: chr8-60741866-G-A. GRCh37 (hg19) VCF-style: chr8-61654425-G-A.
Other names: c.434G>A (LRG_176t1); c.434G>A, p.Trp145Ter (NM_001316690.1); short protein forms W145*.
Identifiers: ClinVar variation 279753 (VCV000279753.2), dbSNP rs886041163, ClinGen allele CA10603062.
Genomic context (GRCh38, chr8:60,741,866, plus strand): 5'-TCTACCCTGGCATGCAGAATGAGAGGCATGGGCAATCCTTTGTGGACAGCAGCTCCATGT[G>A]GGGCCCCAGGGCTGTTCAGGTACCAGACCAGATACGAGCCCCCTACCAGCAGCAGCAGCC-3'